The following is an entry in ClinVar:

NM_001943.5(DSG2):c.201del (p.Asn68fs)

Gene: DSG2 (desmoglein 2; plus strand). Cytogenetic location: 18q12.1.
Variant type: Deletion.
Coding change: c.201del on transcript NM_001943.5 (MANE Select); coding-DNA position 201, one base deleted (G; older notation c.201delG).
Protein change: p.Asn68fs; shifts the reading frame from asparagine 68.
Molecular consequence: frameshift variant.
Genome position (GRCh38, 1-based): chr18:31,519,922, G deleted. VCF-style (leftmost placement, unchanged base first): chr18-31519921-AG-A. GRCh37 (hg19) VCF-style: chr18-29099884-AG-A.
Other names: short protein forms N68fs.
Identifiers: ClinVar variation 4779213 (VCV004779213.1).

ClinVar aggregate classification (germline): Pathogenic (1 of 4 stars; one submission).

Conditions:
Arrhythmogenic right ventricular dysplasia 10. Also called: Arrhythmogenic Right Ventricular Dysplasia/Cardiomyopathy10; ARRHYTHMOGENIC RIGHT VENTRICULAR DYSPLASIA, FAMILIAL, 10; Arrhythmogenic right ventricular dysplasia/cardiomyopathy, type 10. Identifiers: MedGen C1857777, MONDO:0012434, OMIM 610193.

Submission:

Labcorp Genetics (formerly Invitae), Labcorp
Classification: Pathogenic for Arrhythmogenic right ventricular dysplasia 10. Last evaluated: 2025-03-04. Review status: criteria provided, single submitter. Criteria: Invitae Variant Classification Sherloc (09022015). Collection method: clinical testing. Allele origin: germline.
Comment: This sequence change creates a premature translational stop signal (p.Asn68Ilefs*44) in the DSG2 gene. It is expected to result in an absent or disrupted protein product. Loss-of-function variants in DSG2 are known to be pathogenic (PMID: 17105751, 31386562). This variant is not present in population databases (gnomAD no frequency). This variant has not been reported in the literature in individuals affected with DSG2-related conditions. For these reasons, this variant has been classified as Pathogenic.

Literature cited by the submitters: PubMed 17105751; PubMed 31386562.